The following is an entry in ClinVar:

ClinVar aggregate classification (germline): Uncertain significance (1 of 4 stars; one submission).

Conditions:
Long QT syndrome (LQTS). Identifiers: MedGen C0023976, MeSH D008133, MONDO:0002442. Disease mechanism: loss of function. Inheritance: Various modes of inheritance.

Submission:

Labcorp Genetics (formerly Invitae), Labcorp
Classification: Uncertain significance for Long QT syndrome. Last evaluated: 2022-01-11. Review status: criteria provided, single submitter. Criteria: Invitae Variant Classification Sherloc (09022015). Collection method: clinical testing. Allele origin: germline.
Comment: In summary, the available evidence is currently insufficient to determine the role of this variant in disease. Therefore, it has been classified as a Variant of Uncertain Significance. Algorithms developed to predict the effect of missense changes on protein structure and function are either unavailable or do not agree on the potential impact of this missense change (SIFT: "Deleterious"; PolyPhen-2: "Probably Damaging"; Align-GVGD: "Class C0"). This variant has not been reported in the literature in individuals affected with ANK2-related conditions. This variant is not present in population databases (gnomAD no frequency). This sequence change replaces isoleucine, which is neutral and non-polar, with methionine, which is neutral and non-polar, at codon 3640 of the ANK2 protein (p.Ile3640Met).

NM_001148.6(ANK2):c.10920C>G (p.Ile3640Met)

Gene: ANK2 (ankyrin 2; plus strand). Cytogenetic location: 4q26.
Variant type: single nucleotide variant.
Coding change: c.10920C>G on transcript NM_001148.6 (MANE Select); coding-DNA position 10920, C replaced by G.
Protein change: p.Ile3640Met; replaces isoleucine 3640 with methionine.
Molecular consequence: missense variant.
Genome position (GRCh38, 1-based): chr4:113,365,070, C>G. VCF-style: chr4-113365070-C-G. GRCh37 (hg19) VCF-style: chr4-114286226-C-G.
Other names: c.4638C>G, p.Ile1546Met (NM_001127493.3); c.4677C>G, p.Ile1559Met (NM_001354225.2); c.4566C>G, p.Ile1522Met (NM_001354228.2, NM_001354258.2); c.4644C>G, p.Ile1548Met (NM_001354230.2); c.4707C>G, p.Ile1569Met (NM_001354231.2, NM_001354242.2); c.4701C>G, p.Ile1567Met (NM_001354232.2); c.4662C>G, p.Ile1554Met (NM_001354235.2, NM_001354246.2, NM_001354265.2); c.4563C>G, p.Ile1521Met (NM_001354236.2); and 35 more; short protein forms I1394M, I1468M, I1477M, I1521M, I1522M, I1534M, I1554M, I1581M.
Identifiers: ClinVar variation 2080116 (VCV002080116.4), dbSNP rs2154052869, ClinGen allele CA357941539.
Genomic context (GRCh38, chr4:113,365,070, plus strand): 5'-TAATAAATGCTGTTTCTCTAATGTGTCAGATACCAACCTCGTTGAATGTCTCACCAAGAT[C>G]AACCGAATGGATATTGTTCATCTCATGGAGACCAACACAGAACCTCTCCAGGAGCGCATC-3'
Protein context (NP_001139.3, residues 3630-3650): DTNLVECLTK[Ile3640Met]NRMDIVHLME